The following is an entry in ClinVar:

NM_001276345.2(TNNT2):c.42-5C>G

Gene: TNNT2 (troponin T2, cardiac type; minus strand). Cytogenetic location: 1q32.1.
Variant type: single nucleotide variant.
Coding change: c.42-5C>G on transcript NM_001276345.2 (MANE Select); 5 bases into the intron before coding-DNA position 42, C replaced by G.
Molecular consequence: intron variant.
Genome position (GRCh38, 1-based): chr1:201,372,160, G>C on the plus strand (C>G on the coding strand, the complement: TNNT2 is on the minus strand). VCF-style: chr1-201372160-G-C. GRCh37 (hg19) VCF-style: chr1-201341288-G-C.
Other names: c.42-5C>G (NM_001406727.1, NM_001406724.1, NM_001001432.3 and 9 more transcripts).
Identifiers: ClinVar variation 2940504 (VCV002940504.4), dbSNP rs1660719825, ClinGen allele CA1219714805.
Genomic context (GRCh38, chr1:201,372,160, plus strand): 5'-ACCAGGCTGTCTTTGATCCAAATGAGTACACACGTTTACGCTTACCTTCCTGCTCCCTGA[G>C]AGCAACAGGAAACACTGTCAGTAGCTCGCACACAAGCACATGCAAACACACACGCCTGCA-3'

ClinVar aggregate classification (germline): Uncertain significance. Review status: criteria provided, multiple submitters, no conflicts (2 of 4 stars). 2 submissions from 2 submitters: Uncertain significance (2). Last evaluated 2023-06-04.

Conditions:
Hypertrophic cardiomyopathy 2. Also called: TNNT2-Related Familial Hypertrophic Cardiomyopathy. Identifiers: MedGen C1861864, MONDO:0007266, OMIM 115195.
Dilated cardiomyopathy 1D. Identifiers: Orphanet 154, Orphanet 54260, MedGen C1832243, MONDO:0011095, OMIM 601494.
Cardiomyopathy, familial restrictive, 3. Identifiers: Orphanet 75249, MedGen C2676271, MONDO:0012900, OMIM 612422.

Allele frequency attached by ClinVar (database versions not stated): TOPMed below 0.00001.

Submissions (2):

Labcorp Genetics (formerly Invitae), Labcorp
Classification: Uncertain significance for Cardiomyopathy, familial restrictive, 3; Hypertrophic cardiomyopathy 2; Dilated cardiomyopathy 1D. Last evaluated: 2023-06-04. Review status: criteria provided, single submitter. Criteria: Invitae Variant Classification Sherloc (09022015). Collection method: clinical testing. Allele origin: germline.
Comment: This variant is not present in population databases (gnomAD no frequency). In summary, the available evidence is currently insufficient to determine the role of this variant in disease. Therefore, it has been classified as a Variant of Uncertain Significance. Algorithms developed to predict the effect of sequence changes on RNA splicing suggest that this variant may disrupt the consensus splice site. This variant has not been reported in the literature in individuals affected with TNNT2-related conditions. This sequence change falls in intron 2 of the TNNT2 gene. It does not directly change the encoded amino acid sequence of the TNNT2 protein.

Blueprint Genetics
Classification: Uncertain significance. Last evaluated: 2023-04-10. Review status: criteria provided, single submitter. Criteria: ACMG Guidelines, 2015. Collection method: clinical testing. Allele origin: germline.